The following is an entry in ClinVar:

ClinVar aggregate classification (germline): Uncertain significance. Review status: criteria provided, multiple submitters, no conflicts (2 of 4 stars). 2 submissions from 2 submitters: Uncertain significance (2). Last evaluated 2023-12-19.

Conditions:
Hypertrophic cardiomyopathy. Also called: HYPERTROPHIC MYOCARDIOPATHY. Identifiers: Orphanet 217569, MedGen C0007194, MeSH D002312, MONDO:0005045, HP:0001639.
Cardiovascular phenotype. Identifiers: MedGen CN230736.

gnomAD v4.1: 3 of 1,613,782 alleles (0.00019%); highest among the groups gnomAD compares: African/African-American, 0.0013%; no homozygotes.

Submissions (2):

Ambry Genetics
Classification: Uncertain significance for Cardiovascular phenotype. Last evaluated: 2023-12-19. Review status: criteria provided, single submitter. Criteria: Ambry Variant Classification Scheme 2023. Collection method: clinical testing. Allele origin: germline.
Comment: The p.G103S variant (also known as c.307G>A), located in coding exon 1 of the JPH2 gene, results from a G to A substitution at nucleotide position 307. The glycine at codon 103 is replaced by serine, an amino acid with similar properties. This amino acid position is highly conserved in available vertebrate species. In addition, the in silico prediction for this alteration is inconclusive. Since supporting evidence is limited at this time, the clinical significance of this alteration remains unclear.

Labcorp Genetics (formerly Invitae), Labcorp
Classification: Uncertain significance for Hypertrophic cardiomyopathy. Last evaluated: 2023-04-26. Review status: criteria provided, single submitter. Criteria: Invitae Variant Classification Sherloc (09022015). Collection method: clinical testing. Allele origin: germline.
Comment: In summary, the available evidence is currently insufficient to determine the role of this variant in disease. Therefore, it has been classified as a Variant of Uncertain Significance. An algorithm developed to predict the effect of missense changes on protein structure and function (PolyPhen-2) suggests that this variant is likely to be disruptive. ClinVar contains an entry for this variant (Variation ID: 1016400). This variant has not been reported in the literature in individuals affected with JPH2-related conditions. This variant is not present in population databases (gnomAD no frequency). This sequence change replaces glycine, which is neutral and non-polar, with serine, which is neutral and polar, at codon 103 of the JPH2 protein (p.Gly103Ser).

NM_020433.5(JPH2):c.307G>A (p.Gly103Ser)

Gene: JPH2 (junctophilin 2; minus strand). Cytogenetic location: 20q13.12.
Variant type: single nucleotide variant.
Coding change: c.307G>A on transcript NM_020433.5 (MANE Select); coding-DNA position 307, G replaced by A.
Protein change: p.Gly103Ser; replaces glycine 103 with serine.
Molecular consequence: missense variant.
Genome position (GRCh38, 1-based): chr20:44,186,399, C>T on the plus strand (G>A on the coding strand, the complement: JPH2 is on the minus strand). VCF-style: chr20-44186399-C-T. GRCh37 (hg19) VCF-style: chr20-42815039-C-T.
Other names: c.307G>A, p.Gly103Ser (NM_175913.4); c.307G>A (NM_020433.4); short protein forms G103S.
Identifiers: ClinVar variation 1016400 (VCV001016400.9), dbSNP rs530754608, ClinGen allele CA315352139.